The following is an entry in ClinVar:

ClinVar aggregate classification (germline): Uncertain significance. Review status: criteria provided, multiple submitters, no conflicts (2 of 4 stars). 2 submissions from 2 submitters: Uncertain significance (2). Last evaluated 2022-01-14.

Conditions:
Idiopathic Pulmonary Fibrosis. Also called: Idiopathic fibrosing alveolitis, chronic form; idiopathic fibrosing alveolitis. Identifiers: Orphanet 2032, MedGen C1800706, MeSH D054990, MONDO:0800504.
Dyskeratosis congenita, autosomal dominant 2. Identifiers: MedGen C3151443, MONDO:0013521, OMIM 613989.
Dyskeratosis congenita. Identifiers: Orphanet 1775, MedGen C0265965, MONDO:0015780.

Submissions (2):

Ambry Genetics
Classification: Uncertain significance for Dyskeratosis congenita. Last evaluated: 2022-01-14. Review status: criteria provided, single submitter. Criteria: Ambry Variant Classification Scheme 2023. Collection method: clinical testing. Allele origin: germline.
Comment: The p.L805F variant (also known as c.2413C>T), located in coding exon 8 of the TERT gene, results from a C to T substitution at nucleotide position 2413. The leucine at codon 805 is replaced by phenylalanine, an amino acid with highly similar properties. This amino acid position is conserved. In addition, the in silico prediction for this alteration is inconclusive. Since supporting evidence is limited at this time, the clinical significance of this alteration remains unclear.

Labcorp Genetics (formerly Invitae), Labcorp
Classification: Uncertain significance for Dyskeratosis congenita, autosomal dominant 2; Idiopathic Pulmonary Fibrosis. Last evaluated: 2021-02-02. Review status: criteria provided, single submitter. Criteria: Invitae Variant Classification Sherloc (09022015). Collection method: clinical testing. Allele origin: germline.
Comment: This variant is not present in population databases (ExAC no frequency). This sequence change replaces leucine with phenylalanine at codon 805 of the TERT protein (p.Leu805Phe). The leucine residue is moderately conserved and there is a small physicochemical difference between leucine and phenylalanine. This variant has not been reported in the literature in individuals with TERT-related conditions. Advanced modeling of protein sequence and biophysical properties (such as structural, functional, and spatial information, amino acid conservation, physicochemical variation, residue mobility, and thermodynamic stability) performed at Invitae indicates that this missense variant is expected to disrupt TERT protein function. In summary, the available evidence is currently insufficient to determine the role of this variant in disease. Therefore, it has been classified as a Variant of Uncertain Significance.

NM_198253.3(TERT):c.2413C>T (p.Leu805Phe)

Gene: TERT (telomerase reverse transcriptase; minus strand). Cytogenetic location: 5p15.33.
Variant type: single nucleotide variant.
Coding change: c.2413C>T on transcript NM_198253.3 (MANE Select); coding-DNA position 2413, C replaced by T.
Protein change: p.Leu805Phe; replaces leucine 805 with phenylalanine.
Molecular consequence: missense variant.
Genome position (GRCh38, 1-based): chr5:1,271,174, G>A on the plus strand (C>T on the coding strand, the complement: TERT is on the minus strand). VCF-style: chr5-1271174-G-A. GRCh37 (hg19) VCF-style: chr5-1271289-G-A.
Other names: c.2413C>T, p.Leu805Phe (NM_001193376.3); c.2413C>T (NM_198253.2); short protein forms L805F.
Identifiers: ClinVar variation 1506704 (VCV001506704.9), dbSNP rs2126614509, ClinGen allele CA359075777.